The following is an entry in ClinVar:

ClinVar aggregate classification (germline): Conflicting classifications of pathogenicity. Review status: criteria provided, conflicting classifications (1 of 4 stars). 3 submissions from 3 submitters: Likely pathogenic (2); Uncertain significance (1). Last evaluated 2025-08-27.

Conditions:
Hereditary cancer-predisposing syndrome. Also called: Hereditary neoplastic syndrome; Hereditary Cancer Syndrome; Tumor predisposition; Neoplastic Syndromes, Hereditary. Identifiers: Orphanet 140162, MedGen C0027672, MeSH D009386, MONDO:0015356.
Hereditary pheochromocytoma and paraganglioma. Also called: Hereditary pheochromocytoma-paraganglioma; Hereditary Paraganglioma-Pheochromocytoma Syndromes; Hereditary paragangliomas and pheochromocytomas. Identifiers: Orphanet 29072, MedGen C4274332, MONDO:0017366.

Submissions (3):

Color Diagnostics, LLC DBA Color Health
Classification: Likely pathogenic for Hereditary pheochromocytoma and paraganglioma. Last evaluated: 2025-08-27. Review status: criteria provided, single submitter. Criteria: ACMG Guidelines, 2015. Collection method: clinical testing. Allele origin: germline.
Comment: This variant causes a T>A nucleotide change in the splice donor site of intron 3 of the SDHAF2 gene. Splice site prediction tools indicate that this variant is expected to abolish the splice donor site and may utilize a cryptic donor site 7 base pairs downstream, or encounter a termination codon, both resulting in a frameshift and/or truncation. This variant is expected to impact the C-terminal 43 amino acids of the SDHAF2 protein (exon 4aa124-166). A protein functional study has demonstrated that loss of the c-terminal 16 amino acids of the SDHAF2 protein was defective for SDHA binding and flavination (PMID: 32887801). To our knowledge, RNA studies have not been reported for this variant. This variant has not been reported in individuals affected with SDHAF2-related disorders in the literature. This variant has been identified in 1/251468 chromosomes in the general population by the Genome Aggregation Database (gnomAD). Based on the available evidence, this variant is classified as Likely Pathogenic.

Ambry Genetics
Classification: Likely pathogenic for Hereditary cancer-predisposing syndrome. Last evaluated: 2025-05-22. Review status: criteria provided, single submitter. Criteria: Ambry Variant Classification Scheme 2023. Collection method: clinical testing. Allele origin: germline.
Comment: The c.370+2T>A intronic variant results from a T to A substitution two nucleotides after coding exon 3 in the SDHAF2 gene. This alteration occurs at the 3' terminus of the SDHAF2 gene, is not expected to trigger nonsense-mediated mRNA decay, and only impacts the last 26% of the protein. The exact functional effect of this alteration is unknown; however, the region predicted to be impacted is critical for protein function (Ambry internal data). This variant is considered to be rare based on population cohorts in the Genome Aggregation Database (gnomAD). This nucleotide position is highly conserved in available vertebrate species. In silico splice site analysis predicts that this alteration will weaken the native splice donor site and will result in the creation or strengthening of a novel splice donor site; however, direct evidence is insufficient at this time (Ambry internal data). Based on the majority of available evidence to date, this variant is likely to be pathogenic.

Labcorp Genetics (formerly Invitae), Labcorp
Classification: Uncertain significance for Hereditary pheochromocytoma and paraganglioma. Last evaluated: 2019-07-24. Review status: criteria provided, single submitter. Criteria: Invitae Variant Classification Sherloc (09022015). Collection method: clinical testing. Allele origin: germline.
Comment: In summary, the available evidence is currently insufficient to determine the role of this variant in disease. Therefore, it has been classified as a Variant of Uncertain Significance. Nucleotide substitutions within the consensus splice site are a relatively common cause of aberrant splicing (PMID: 17576681, 9536098). Algorithms developed to predict the effect of sequence changes on RNA splicing suggest that this variant may disrupt the consensus splice site, but this prediction has not been confirmed by published transcriptional studies. This variant has not been reported in the literature in individuals with SDHAF2-related conditions. This variant is not present in population databases (ExAC no frequency). This sequence change affects a donor splice site in the last intron (intron 3) of the SDHAF2 gene. While this is not anticipated to result in nonsense mediated decay, it likely alters RNA splicing and results in a disrupted protein product.

Literature cited by the submitters: PubMed 32887801 (cited by Color Diagnostics, LLC DBA Color Health); PubMed 17576681 (cited by Labcorp Genetics (formerly Invitae), Labcorp); PubMed 9536098 (cited by Labcorp Genetics (formerly Invitae), Labcorp).

NM_017841.4(SDHAF2):c.370+2T>A

Gene: SDHAF2 (succinate dehydrogenase complex assembly factor 2; plus strand). Cytogenetic location: 11q12.2.
Variant type: single nucleotide variant.
Coding change: c.370+2T>A on transcript NM_017841.4 (MANE Select); the canonical splice donor site of the intron after coding-DNA position 370, T replaced by A.
Molecular consequence: splice donor variant.
Genome position (GRCh38, 1-based): chr11:61,438,115, T>A. VCF-style: chr11-61438115-T-A. GRCh37 (hg19) VCF-style: chr11-61205587-T-A.
Identifiers: ClinVar variation 950064 (VCV000950064.9), dbSNP rs770444026, ClinGen allele CA380684260.